The following is an entry in ClinVar:

NM_032119.4(ADGRV1):c.13434-5T>A

Gene: ADGRV1 (adhesion G protein-coupled receptor V1; plus strand). Cytogenetic location: 5q14.3.
Variant type: single nucleotide variant.
Coding change: c.13434-5T>A on transcript NM_032119.4 (MANE Select); 5 bases into the intron before coding-DNA position 13434, T replaced by A.
Molecular consequence: intron variant.
Genome position (GRCh38, 1-based): chr5:90,783,833, T>A. VCF-style: chr5-90783833-T-A. GRCh37 (hg19) VCF-style: chr5-90079650-T-A.
Identifiers: ClinVar variation 1358754 (VCV001358754.6), dbSNP rs1759125896, ClinGen allele CA2573140033.

ClinVar aggregate classification (germline): Uncertain significance (1 of 4 stars; one submission).

Submission:

Labcorp Genetics (formerly Invitae), Labcorp
Classification: Uncertain significance. Last evaluated: 2021-08-03. Review status: criteria provided, single submitter. Criteria: Invitae Variant Classification Sherloc (09022015). Collection method: clinical testing. Allele origin: germline.
Comment: This sequence change falls in intron 66 of the ADGRV1 gene. It does not directly change the encoded amino acid sequence of the ADGRV1 protein. In summary, the available evidence is currently insufficient to determine the role of this variant in disease. Therefore, it has been classified as a Variant of Uncertain Significance. Algorithms developed to predict the effect of sequence changes on RNA splicing suggest that this variant may disrupt the consensus splice site. This variant has not been reported in the literature in individuals affected with ADGRV1-related conditions. This variant is not present in population databases (ExAC no frequency).